The following is an entry in ClinVar:

ClinVar aggregate classification (germline): Uncertain significance (1 of 4 stars; one submission).

Conditions:
Spastic paraplegia. Identifiers: MedGen C0037772, HP:0001258.

Allele frequency attached by ClinVar (database versions not stated): TOPMed below 0.00001; ExAC 0.00001; gnomAD exomes 0.00001.

Submission:

Labcorp Genetics (formerly Invitae), Labcorp
Classification: Uncertain significance for Spastic paraplegia. Last evaluated: 2022-08-05. Review status: criteria provided, single submitter. Criteria: Invitae Variant Classification Sherloc (09022015). Collection method: clinical testing. Allele origin: germline.
Comment: This variant is present in population databases (rs768752998, gnomAD 0.004%). This variant has not been reported in the literature in individuals affected with GJC2-related conditions. Algorithms developed to predict the effect of missense changes on protein structure and function (SIFT, PolyPhen-2, Align-GVGD) all suggest that this variant is likely to be disruptive. In summary, the available evidence is currently insufficient to determine the role of this variant in disease. Therefore, it has been classified as a Variant of Uncertain Significance. This sequence change replaces aspartic acid, which is acidic and polar, with glutamic acid, which is acidic and polar, at codon 255 of the GJC2 protein (p.Asp255Glu).

NM_020435.4(GJC2):c.765C>G (p.Asp255Glu)

Gene: GJC2 (gap junction protein gamma 2; plus strand). Cytogenetic location: 1q42.13.
Variant type: single nucleotide variant.
Coding change: c.765C>G on transcript NM_020435.4 (MANE Select); coding-DNA position 765, C replaced by G.
Protein change: p.Asp255Glu; replaces aspartic acid 255 with glutamic acid.
Molecular consequence: missense variant.
Genome position (GRCh38, 1-based): chr1:228,158,523, C>G. VCF-style: chr1-228158523-C-G. GRCh37 (hg19) VCF-style: chr1-228346224-C-G.
Other names: short protein forms D255E.
Identifiers: ClinVar variation 1979574 (VCV001979574.4), dbSNP rs768752998, ClinGen allele CA1430911.
Genomic context (GRCh38, chr1:228,158,523, plus strand): 5'-CGGCTTCGAGGTGCGACCGTTCTTTCCCTGCAGCCGCCAGCCCTGCCCGCACGTGGTGGA[C>G]TGCTTCGTGTCGCGCCCTACTGAAAAGACGGTCTTCCTGCTGGTTATGTACGTGGTCAGC-3'
Protein context (NP_065168.2, residues 245-265): CSRQPCPHVV[Asp255Glu]CFVSRPTEKT